The following is an entry in ClinVar:

NM_001059.3(TACR3):c.247_267del (p.Trp83_Ser89del)

Gene: TACR3 (tachykinin receptor 3; minus strand). Cytogenetic location: 4q24.
Variant type: Deletion.
Coding change: c.247_267del on transcript NM_001059.3 (MANE Select); coding-DNA positions 247 to 267, 21 bases deleted (TGGCGCATCGCGCTCTGGTCC).
Protein change: p.Trp83_Ser89del.
Genome position (GRCh38, 1-based): chr4:103,719,409-103,719,429, GGACCAGAGCGCGATGCGCCA deleted on the plus strand (TGGCGCATCGCGCTCTGGTCC on the coding strand, the reverse complement: TACR3 is on the minus strand); deleting any 21 consecutive bases within chr4:103,719,409-103,719,433 gives the same sequence; the c. name uses the placement nearest the transcript's 3' end. VCF-style (leftmost placement, unchanged base first): chr4-103719408-GGGACCAGAGCGCGATGCGCCA-G. GRCh37 (hg19) VCF-style: chr4-104640565-GGGACCAGAGCGCGATGCGCCA-G.
Identifiers: ClinVar variation 3896750 (VCV003896750.2).

ClinVar aggregate classification (germline): Likely pathogenic (1 of 4 stars; one submission).

Conditions:
Hypogonadotropic hypogonadism 11 with or without anosmia (HH11). Also called: HYPOGONADOTROPIC HYPOGONADISM 11 WITHOUT ANOSMIA; TACR3-Related GnRH Deficiency. Identifiers: Orphanet 478, MedGen C3553844, MONDO:0013913, OMIM 614840.

Submission:

Clinical Genetics Laboratory, Skane University Hospital Lund
Classification: Likely pathogenic for Hypogonadotropic hypogonadism 11 with or without anosmia. Last evaluated: 2025-06-16. Review status: criteria provided, single submitter. Criteria: ACMG Guidelines, 2015. Collection method: clinical testing. Allele origin: germline. Inheritance: Autosomal recessive inheritance. Affected: yes.
Comment: ACMG criteria used: PM2, PM3, PM4